The following is an entry in ClinVar:

ClinVar aggregate classification (germline): Uncertain significance. Review status: criteria provided, multiple submitters, no conflicts (2 of 4 stars). 2 submissions from 2 submitters: Uncertain significance (2). Last evaluated 2025-04-24.

Conditions:
Inborn genetic diseases. Identifiers: MedGen C0950123, MeSH D030342.
LEPR-related disorder. Also called: LEPR-related condition; LEPR-related disorders.

gnomAD v4.1: 1 of 1,614,220 alleles (0.000062%); highest among the groups gnomAD compares: Non-Finnish European, 0.000085%; no homozygotes.

Submissions (2):

PreventionGenetics, part of Exact Sciences
Classification: Uncertain significance for LEPR-related condition. Last evaluated: 2025-04-24. Review status: criteria provided, single submitter. Criteria: ACMG Guidelines, 2015. Collection method: clinical testing. Allele origin: germline.
Comment: The LEPR c.1891A>G variant is predicted to result in the amino acid substitution p.Thr631Ala. To our knowledge, this variant has not been reported in the literature or in a large population database (gnomAD), indicating this variant is rare. At this time, the clinical significance of this variant is uncertain due to the absence of conclusive functional and genetic evidence.

Ambry Genetics
Classification: Uncertain significance for Inborn genetic diseases. Last evaluated: 2024-10-12. Review status: criteria provided, single submitter. Criteria: Ambry Variant Classification Scheme 2023. Collection method: clinical testing. Allele origin: germline.

NM_002303.6(LEPR):c.1891A>G (p.Thr631Ala)

Gene: LEPR (leptin receptor; plus strand). Cytogenetic location: 1p31.3.
Variant type: single nucleotide variant.
Coding change: c.1891A>G on transcript NM_002303.6 (MANE Select); coding-DNA position 1891, A replaced by G.
Protein change: p.Thr631Ala; replaces threonine 631 with alanine.
Molecular consequence: missense variant.
Genome position (GRCh38, 1-based): chr1:65,610,085, A>G. VCF-style: chr1-65610085-A-G. GRCh37 (hg19) VCF-style: chr1-66075768-A-G.
Other names: c.1891A>G, p.Thr631Ala (NM_001003679.3, NM_001003680.3, NM_001198687.2 and 2 more transcripts); short protein forms T631A.
Identifiers: ClinVar variation 3537878 (VCV003537878.2).
Genomic context (GRCh38, chr1:65,610,085, plus strand): 5'-GTGCGCTGTAAGAGGCTAGATGGACTGGGATATTGGAGTAATTGGAGCAATCCAGCCTAC[A>G]CAGTTGTCATGGATATAAAAGGTCTGCAGAGATTTTGTAAATGTGTTTTGAAAGTGCATA-3'
Protein context (NP_002294.2, residues 621-641): YWSNWSNPAY[Thr631Ala]VVMDIKVPMR